The following is an entry in ClinVar:

NM_001035.3(RYR2):c.5176A>C (p.Ile1726Leu)

Gene: RYR2 (ryanodine receptor 2; plus strand). Cytogenetic location: 1q43.
Variant type: single nucleotide variant.
Coding change: c.5176A>C on transcript NM_001035.3 (MANE Select); coding-DNA position 5176, A replaced by C.
Protein change: p.Ile1726Leu; replaces isoleucine 1726 with leucine.
Molecular consequence: missense variant.
Genome position (GRCh38, 1-based): chr1:237,614,304, A>C. VCF-style: chr1-237614304-A-C. GRCh37 (hg19) VCF-style: chr1-237777604-A-C.
Other names: short protein forms I1726L.
Identifiers: ClinVar variation 2718382 (VCV002718382.3), dbSNP rs764065333, ClinGen allele CA345404183.

ClinVar aggregate classification (germline): Uncertain significance (1 of 4 stars; one submission).

Conditions:
Catecholaminergic polymorphic ventricular tachycardia 1. Also called: VENTRICULAR TACHYCARDIA, STRESS-INDUCED POLYMORPHIC 1; RYR2-Related Catecholaminergic Polymorphic Ventricular Tachycardia; VENTRICULAR TACHYCARDIA, CATECHOLAMINERGIC POLYMORPHIC, 1, WITH OR WITHOUT ATRIAL DYSFUNCTION AND/OR DILATED CARDIOMYOPATHY. Identifiers: Orphanet 3286, MedGen C1631597, MONDO:0011484, OMIM 604772.

Submission:

Labcorp Genetics (formerly Invitae), Labcorp
Classification: Uncertain significance for Catecholaminergic polymorphic ventricular tachycardia 1. Last evaluated: 2023-06-17. Review status: criteria provided, single submitter. Criteria: Invitae Variant Classification Sherloc (09022015). Collection method: clinical testing. Allele origin: germline.
Comment: In summary, the available evidence is currently insufficient to determine the role of this variant in disease. Therefore, it has been classified as a Variant of Uncertain Significance. Advanced modeling of protein sequence and biophysical properties (such as structural, functional, and spatial information, amino acid conservation, physicochemical variation, residue mobility, and thermodynamic stability) has been performed at Invitae for this missense variant, however the output from this modeling did not meet the statistical confidence thresholds required to predict the impact of this variant on RYR2 protein function. This variant has not been reported in the literature in individuals affected with RYR2-related conditions. This variant is not present in population databases (gnomAD no frequency). This sequence change replaces isoleucine, which is neutral and non-polar, with leucine, which is neutral and non-polar, at codon 1726 of the RYR2 protein (p.Ile1726Leu).